The following is an entry in ClinVar:

ClinVar aggregate classification (germline): Uncertain significance (1 of 4 stars; one submission).

Submission:

Mayo Clinic Laboratories, Mayo Clinic
Classification: Uncertain significance. Last evaluated: 2025-03-27. Review status: criteria provided, single submitter. Criteria: ACMG Guidelines, 2015. Collection method: clinical testing. Allele origin: germline. Observed: 1 variant allele.
Comment: PM2_supporting

NM_014625.4(NPHS2):c.417G>A (p.Leu139=)

Gene: NPHS2 (NPHS2 stomatin family member, podocin; minus strand). Cytogenetic location: 1q25.2.
Variant type: single nucleotide variant.
Coding change: c.417G>A on transcript NM_014625.4 (MANE Select); coding-DNA position 417, G replaced by A.
Protein change: p.Leu139=; no amino-acid change (leucine 139 retained).
Molecular consequence: synonymous variant.
Genome position (GRCh38, 1-based): chr1:179,561,323, C>T on the plus strand (G>A on the coding strand, the complement: NPHS2 is on the minus strand). VCF-style: chr1-179561323-C-T. GRCh37 (hg19) VCF-style: chr1-179530458-C-T.
Other names: p.Leu139=; c.417G>A, p.Leu139= (NM_001297575.2).
Identifiers: ClinVar variation 4541947 (VCV004541947.1).